The following is an entry in ClinVar:

NM_001349338.3(FOXP1):c.477ACA[5] (p.Gln162_His163insGln)

Gene: FOXP1 (forkhead box P1; minus strand). Cytogenetic location: 3p13.
Variant type: Microsatellite.
Coding change: c.477ACA[5] on transcript NM_001349338.3 (MANE Select); five copies in a row of the 3-base unit ACA starting at c.477; the reference has four copies in a row; one copy, 3 bases duplicated.
Protein change: p.Gln162_His163insGln.
Molecular consequence: inframe insertion. On other transcripts: non-coding transcript variant (2), intron variant (1).
Genome position (GRCh38, 1-based): chr3:71,052,559-71,052,561, TGT duplicated on the plus strand (ACA on the coding strand, the reverse complement: FOXP1 is on the minus strand); duplicating any 3 consecutive bases within chr3:71,052,559-71,052,570 gives the same sequence; the position shown is the placement nearest the transcript's 3' end. VCF-style (leftmost placement, unchanged base first): chr3-71052558-A-ATGT. GRCh37 (hg19) VCF-style: chr3-71101709-A-ATGT.
Other names: c.477ACA[5], p.Gln162_His163insGln (NM_001244808.3, NM_001244810.2, NM_001244814.3 and 3 more transcripts); c.177ACA[5], p.Gln62_His63insGln (NM_001244813.3, NM_001244815.2, NM_001349342.3 and 1 more transcripts); c.174ACA[5], p.Gln61_His62insGln (NM_001349337.2, NM_001349343.3, NM_001349344.3); c.474ACA[5], p.Gln161_His162insGln (NM_001349341.3); c.283-5475ACA[5] (NM_001244812.3).
Identifiers: ClinVar variation 3612515 (VCV003612515.2).
Genomic context (GRCh38, chr3:71,052,558, plus strand): 5'-GGATCTGTGGTTTGAAAGTAAAATATGTATTGTCGGTACCTCTTTAGGCTGTTTTCCAGC[A>ATGT]TGTTGTTGTTGTAAAAGTTGAAGCTGCAACTGTTCCTGTTGTTTTTTATAAAACTCTTGA-3'

ClinVar aggregate classification (germline): Uncertain significance (1 of 4 stars; one submission).

Submission:

Labcorp Genetics (formerly Invitae), Labcorp
Classification: Uncertain significance. Last evaluated: 2024-05-01. Review status: criteria provided, single submitter. Criteria: Invitae Variant Classification Sherloc (09022015). Collection method: clinical testing. Allele origin: germline.
Comment: This variant, c.486_488dup, results in the insertion of 1 amino acid(s) of the FOXP1 protein (p.Gln162dup), but otherwise preserves the integrity of the reading frame. This variant is present in population databases (no rsID available, gnomAD 0.003%). This variant has not been reported in the literature in individuals affected with FOXP1-related conditions. In summary, the available evidence is currently insufficient to determine the role of this variant in disease. Therefore, it has been classified as a Variant of Uncertain Significance.